The following is an entry in ClinVar:

ClinVar aggregate classification (germline): Uncertain significance (1 of 4 stars; one submission).

gnomAD v4.1: 2 of 1,610,540 alleles (0.00012%); highest among the groups gnomAD compares: Non-Finnish European, 0.00017%; no homozygotes.

Submission:

Labcorp Genetics (formerly Invitae), Labcorp
Classification: Uncertain significance. Last evaluated: 2025-11-20. Review status: criteria provided, single submitter. Criteria: Invitae Variant Classification Sherloc (09022015). Collection method: clinical testing. Allele origin: germline.
Comment: This sequence change replaces glutamine, which is neutral and polar, with arginine, which is basic and polar, at codon 1316 of the FOCAD protein (p.Gln1316Arg). This variant is not present in population databases (gnomAD no frequency). This variant has not been reported in the literature in individuals affected with FOCAD-related conditions. ClinVar contains an entry for this variant (Variation ID: 3631887). Experimental studies and prediction algorithms are not available or were not evaluated, and the functional significance of this variant is currently unknown. Algorithms developed to predict the effect of sequence changes on RNA splicing suggest that this variant may disrupt the consensus splice site. In summary, the available evidence is currently insufficient to determine the role of this variant in disease. Therefore, it has been classified as a Variant of Uncertain Significance.

NM_001375567.1(FOCAD):c.3947A>G (p.Gln1316Arg)

Gene: FOCAD (focadhesin; plus strand). Cytogenetic location: 9p21.3.
Variant type: single nucleotide variant.
Coding change: c.3947A>G on transcript NM_001375567.1 (MANE Select); coding-DNA position 3947, A replaced by G.
Protein change: p.Gln1316Arg; replaces glutamine 1316 with arginine.
Molecular consequence: missense variant.
Genome position (GRCh38, 1-based): chr9:20,949,674, A>G. VCF-style: chr9-20949674-A-G. GRCh37 (hg19) VCF-style: chr9-20949673-A-G.
Other names: c.3842A>G, p.Gln1281Arg (NM_001375568.1, NM_001375570.1); c.3947A>G, p.Gln1316Arg (NM_017794.5); short protein forms Q1316R, Q1281R.
Identifiers: ClinVar variation 3631887 (VCV003631887.2).